The following is an entry in ClinVar:

NM_144596.4(TTC8):c.674G>C (p.Trp225Ser)

Gene: TTC8 (tetratricopeptide repeat domain 8; plus strand). Cytogenetic location: 14q31.3.
Variant type: single nucleotide variant.
Coding change: c.674G>C on transcript NM_144596.4 (MANE Select); coding-DNA position 674, G replaced by C.
Protein change: p.Trp225Ser; replaces tryptophan 225 with serine.
Molecular consequence: missense variant. On other transcripts: 5 prime UTR variant (1), non-coding transcript variant (1).
Genome position (GRCh38, 1-based): chr14:88,853,020, G>C. VCF-style: chr14-88853020-G-C. GRCh37 (hg19) VCF-style: chr14-89319364-G-C.
Other names: c.722G>C, p.Trp241Ser (NM_001288781.1); c.80G>C, p.Trp27Ser (NM_001288782.1); c.-44G>C (NM_001288783.1); c.644G>C, p.Trp215Ser (NM_001366535.2, NM_198309.3); c.554G>C, p.Trp185Ser (NM_001366536.2, NM_198310.3); short protein forms W215S, W185S, W225S, W241S, W27S.
Identifiers: ClinVar variation 4999866 (VCV004999866.1).

ClinVar aggregate classification (germline): Uncertain significance (1 of 4 stars; one submission).

Conditions:
TTC8-related disorder. Also called: TTC8-related condition.

Submission:

PreventionGenetics, part of Exact Sciences
Classification: Uncertain significance for TTC8-related condition. Last evaluated: 2025-02-05. Review status: criteria provided, single submitter. Criteria: ACMG Guidelines, 2015. Collection method: clinical testing. Allele origin: germline.
Comment: The TTC8 c.674G>C variant is predicted to result in the amino acid substitution p.Trp225Ser. To our knowledge, this variant has not been reported in the literature or in a large population database (gnomAD), indicating this variant is rare. At this time, the clinical significance of this variant is uncertain due to the absence of conclusive functional and genetic evidence.